The following is an entry in ClinVar:

ClinVar aggregate classification (germline): Uncertain significance (1 of 4 stars; one submission).

Conditions:
Cyclical neutropenia. Also called: Cyclic Neutropenia; Cyclic hematopoiesis. Identifiers: Orphanet 2686, MedGen C0221023, MONDO:0008090, OMIM 162800, HP:0040289. Disease mechanism: loss of function.
Neutropenia, severe congenital, 1, autosomal dominant. Identifiers: MedGen C1859966, MONDO:0042490, OMIM 202700.

gnomAD v4.1: 10 of 1,611,084 alleles (0.00062%); highest among the groups gnomAD compares: Non-Finnish European, 0.00085%; no homozygotes.

Submission:

Labcorp Genetics (formerly Invitae), Labcorp
Classification: Uncertain significance for Neutropenia, severe congenital, 1, autosomal dominant; Cyclical neutropenia. Last evaluated: 2024-06-05. Review status: criteria provided, single submitter. Criteria: Invitae Variant Classification Sherloc (09022015). Collection method: clinical testing. Allele origin: germline.
Comment: This sequence change replaces alanine, which is neutral and non-polar, with threonine, which is neutral and polar, at codon 100 of the ELANE protein (p.Ala100Thr). The frequency data for this variant in the population databases is considered unreliable, as metrics indicate poor data quality at this position in the gnomAD database. This variant has not been reported in the literature in individuals affected with ELANE-related conditions. ClinVar contains an entry for this variant (Variation ID: 662107). Algorithms developed to predict the effect of missense changes on protein structure and function output the following: SIFT: "Not Available"; PolyPhen-2: "Benign"; Align-GVGD: "Not Available". The threonine amino acid residue is found in multiple mammalian species, which suggests that this missense change does not adversely affect protein function. In summary, the available evidence is currently insufficient to determine the role of this variant in disease. Therefore, it has been classified as a Variant of Uncertain Significance.

NM_001972.4(ELANE):c.298G>A (p.Ala100Thr)

Gene: ELANE (elastase, neutrophil expressed; plus strand). Cytogenetic location: 19p13.3.
Variant type: single nucleotide variant.
Coding change: c.298G>A on transcript NM_001972.4 (MANE Select); coding-DNA position 298, G replaced by A.
Protein change: p.Ala100Thr; replaces alanine 100 with threonine.
Molecular consequence: missense variant.
Genome position (GRCh38, 1-based): chr19:853,335, G>A. VCF-style: chr19-853335-G-A. GRCh37 (hg19) VCF-style: chr19-853335-G-A.
Other names: c.298G>A (LRG_57t1); short protein forms A100T.
Identifiers: ClinVar variation 662107 (VCV000662107.11), dbSNP rs549887145, ClinGen allele CA402916069.